The following is an entry in ClinVar:

ClinVar aggregate classification (germline): Uncertain significance. Review status: criteria provided, multiple submitters, no conflicts (2 of 4 stars). 2 submissions from 2 submitters: Uncertain significance (2). Last evaluated 2023-12-14.

Conditions:
Moyamoya disease 5 (MYMY5). Identifiers: Orphanet 2573, MedGen C3279690, MONDO:0013542, OMIM 614042.

Allele frequency attached by ClinVar (database versions not stated): TOPMed below 0.00001.
gnomAD v4.1: 1 of 1,613,948 alleles (0.000062%); highest among the groups gnomAD compares: South Asian, 0.0011%; no homozygotes.

Submissions (2):

GeneDx
Classification: Uncertain significance. Last evaluated: 2023-12-14. Review status: criteria provided, single submitter. Criteria: GeneDx Variant Classification Process June 2021. Collection method: clinical testing. Allele origin: germline. Affected: yes.
Comment: Has not been previously published as pathogenic or benign to our knowledge; Not observed at significant frequency in large population cohorts (gnomAD); In silico analysis supports that this missense variant has a deleterious effect on protein structure/function

Institute of Human Genetics, University Hospital of Duesseldorf
Classification: Uncertain significance for Moyamoya disease 5. Review status: criteria provided, single submitter. Criteria: ACMG Guidelines, 2015. Collection method: not provided. Allele origin: germline. Inheritance: Autosomal unknown. Affected: yes.

NM_001613.4(ACTA2):c.290G>A (p.Arg97His)

Gene: ACTA2 (actin alpha 2, smooth muscle; minus strand). Cytogenetic location: 10q23.31.
Variant type: single nucleotide variant.
Coding change: c.290G>A on transcript NM_001613.4 (MANE Select); coding-DNA position 290, G replaced by A.
Protein change: p.Arg97His; replaces arginine 97 with histidine.
Molecular consequence: missense variant. On other transcripts: intron variant (1).
Genome position (GRCh38, 1-based): chr10:88,943,876, C>T on the plus strand (G>A on the coding strand, the complement: ACTA2 is on the minus strand). VCF-style: chr10-88943876-C-T. GRCh37 (hg19) VCF-style: chr10-90703633-C-T.
Other names: c.290G>A, p.Arg97His (NM_001141945.3, NM_001320855.2, NM_001406462.1 and 3 more transcripts); c.161G>A, p.Arg54His (NM_001406467.1, NM_001406468.1, NM_001406469.1); c.259-2007G>A (NM_001406466.1); short protein forms R54H, R97H.
Identifiers: ClinVar variation 2672253 (VCV002672253.2), dbSNP rs1055787195, ClinGen allele CA211320727.